The following is an entry in ClinVar:

ClinVar aggregate classification (germline): Likely benign (0 of 4 stars; one submission).

Conditions:
SP8-related disorder. Also called: SP8-related condition.

Submission:

PreventionGenetics, part of Exact Sciences
Classification: Likely benign for SP8-related condition. Last evaluated: 2020-03-19. Review status: no assertion criteria provided. Collection method: clinical testing. Allele origin: germline.
Comment: This variant is classified as likely benign based on ACMG/AMP sequence variant interpretation guidelines (Richards et al. 2015 PMID: 25741868, with internal and published modifications).

NM_182700.6(SP8):c.276A>T (p.Ala92=)

Gene: SP8 (Sp8 transcription factor; minus strand). Cytogenetic location: 7p21.1.
Variant type: single nucleotide variant.
Coding change: c.276A>T on transcript NM_182700.6 (MANE Select); coding-DNA position 276, A replaced by T.
Protein change: p.Ala92=; no amino-acid change (alanine 92 retained).
Molecular consequence: synonymous variant.
Genome position (GRCh38, 1-based): chr7:20,785,541, T>A on the plus strand (A>T on the coding strand, the complement: SP8 is on the minus strand). VCF-style: chr7-20785541-T-A. GRCh37 (hg19) VCF-style: chr7-20825160-T-A.
Other names: c.222A>T, p.Ala74= (NM_198956.4).
Identifiers: ClinVar variation 3038122 (VCV003038122.2), dbSNP rs1342357082, ClinGen allele CA454137805.